The following is an entry in ClinVar:

NM_017617.5(NOTCH1):c.2015-14C>T

Gene: NOTCH1 (notch receptor 1; minus strand). Cytogenetic location: 9q34.3.
Variant type: single nucleotide variant.
Coding change: c.2015-14C>T on transcript NM_017617.5 (MANE Select); 14 bases into the intron before coding-DNA position 2015, C replaced by T.
Molecular consequence: intron variant.
Genome position (GRCh38, 1-based): chr9:136,514,716, G>A on the plus strand (C>T on the coding strand, the complement: NOTCH1 is on the minus strand). VCF-style: chr9-136514716-G-A. GRCh37 (hg19) VCF-style: chr9-139409168-G-A.
Other names: c.2015-14C>T (LRG_1122t1).
Identifiers: ClinVar variation 511221 (VCV000511221.4), dbSNP rs149013721, ClinGen allele CA5341507.
Genomic context (GRCh38, chr9:136,514,716, plus strand): 5'-GCAGGGGTTGCCCGCACACTCATCGATGTTGATGTTACACATGCTCCCTAAGGGCAGGGC[G>A]GGTCAGACTCCGAGGCCCAGCGCCCAGGGGGTCCCACCCACGTCAACCTCGATTTCCCTG-3'

ClinVar aggregate classification (germline): Likely benign. Review status: criteria provided, multiple submitters, no conflicts (2 of 4 stars). 2 submissions from 2 submitters: Likely benign (2). Last evaluated 2023-05-23.

Conditions:
Adams-Oliver syndrome 5 (AOS5). Identifiers: Orphanet 974, MedGen C4014970, MONDO:0014459, OMIM 616028.

Allele frequency attached by ClinVar (database versions not stated): gnomAD exomes below 0.00001; ExAC 0.00001; gnomAD 0.00001 and 0.00002; TOPMed 0.00002; 1000 Genomes Project 30x 0.00016; 1000 Genomes Project 0.00020.
gnomAD v4.1: 9 of 1,610,672 alleles (0.00056%); highest among the groups gnomAD compares: African/African-American, 0.004%; no homozygotes.

Submissions (2):

Labcorp Genetics (formerly Invitae), Labcorp
Classification: Likely benign for Adams-Oliver syndrome 5. Last evaluated: 2023-05-23. Review status: criteria provided, single submitter. Criteria: Invitae Variant Classification Sherloc (09022015). Collection method: clinical testing. Allele origin: germline.

GeneDx
Classification: Likely benign. Last evaluated: 2017-08-10. Review status: criteria provided, single submitter. Criteria: GeneDx Variant Classification (06012015). Collection method: clinical testing. Allele origin: germline. Affected: yes.
Comment: This variant is considered likely benign or benign based on one or more of the following criteria: it is a conservative change, it occurs at a poorly conserved position in the protein, it is predicted to be benign by multiple in silico algorithms, and/or has population frequency not consistent with disease.